The following is an entry in ClinVar:

ClinVar aggregate classification (germline): Uncertain significance. Review status: criteria provided, multiple submitters, no conflicts (2 of 4 stars). 2 submissions from 2 submitters: Uncertain significance (2). Last evaluated 2026-07-07.

Conditions:
Hereditary cancer-predisposing syndrome. Also called: Hereditary Cancer Syndrome; Neoplastic Syndromes, Hereditary; Hereditary neoplastic syndrome; Tumor predisposition. Identifiers: Orphanet 140162, MedGen C0027672, MeSH D009386, MONDO:0015356.
Hereditary pheochromocytoma and paraganglioma. Also called: Hereditary pheochromocytoma-paraganglioma; Hereditary Paraganglioma-Pheochromocytoma Syndromes; Hereditary paragangliomas and pheochromocytomas. Identifiers: Orphanet 29072, MedGen C4274332, MONDO:0017366.

Allele frequency attached by ClinVar (database versions not stated): gnomAD exomes below 0.00001.
gnomAD v4.1: 1 of 1,614,128 alleles (0.000062%); highest among the groups gnomAD compares: South Asian, 0.0011%; no homozygotes.

Submissions (2):

Ambry Genetics
Classification: Uncertain significance for Hereditary cancer-predisposing syndrome. Last evaluated: 2026-07-07. Review status: criteria provided, single submitter. Criteria: Ambry Variant Classification Scheme 2023. Collection method: clinical testing. Allele origin: germline.
Comment: The p.A68T variant (also known as c.202G>A), located in coding exon 2 of the SDHAF2 gene, results from a G to A substitution at nucleotide position 202. The alanine at codon 68 is replaced by threonine, an amino acid with similar properties. This amino acid position is conserved. In addition, the in silico prediction for this alteration is inconclusive. Based on the available evidence, the clinical significance of this variant remains unclear.

Labcorp Genetics (formerly Invitae), Labcorp
Classification: Uncertain significance for Hereditary pheochromocytoma and paraganglioma. Last evaluated: 2021-10-02. Review status: criteria provided, single submitter. Criteria: Invitae Variant Classification Sherloc (09022015). Collection method: clinical testing. Allele origin: germline.
Comment: Algorithms developed to predict the effect of missense changes on protein structure and function are either unavailable or do not agree on the potential impact of this missense change (SIFT: "Tolerated"; PolyPhen-2: "Probably Damaging"; Align-GVGD: "Class C0"). This variant has not been reported in the literature in individuals affected with SDHAF2-related conditions. This variant is not present in population databases (ExAC no frequency). This sequence change replaces alanine with threonine at codon 68 of the SDHAF2 protein (p.Ala68Thr). The alanine residue is moderately conserved and there is a small physicochemical difference between alanine and threonine. In summary, the available evidence is currently insufficient to determine the role of this variant in disease. Therefore, it has been classified as a Variant of Uncertain Significance.

NM_017841.4(SDHAF2):c.202G>A (p.Ala68Thr)

Gene: SDHAF2 (succinate dehydrogenase complex assembly factor 2; plus strand). Cytogenetic location: 11q12.2.
Variant type: single nucleotide variant.
Coding change: c.202G>A on transcript NM_017841.4 (MANE Select); coding-DNA position 202, G replaced by A.
Protein change: p.Ala68Thr; replaces alanine 68 with threonine.
Molecular consequence: missense variant.
Genome position (GRCh38, 1-based): chr11:61,437,790, G>A. VCF-style: chr11-61437790-G-A. GRCh37 (hg19) VCF-style: chr11-61205262-G-A.
Other names: c.202G>A (NM_017841.2); short protein forms A68T.
Identifiers: ClinVar variation 1387140 (VCV001387140.7), dbSNP rs2134892420, ClinGen allele CA380683613.
Genomic context (GRCh38, chr11:61,437,790, plus strand): 5'-ATTGAAATCCCTTTGCCTCCATGGCAGGAGAGAACTGATGAATCCATAGAAACCAAAAGA[G>A]CCCGCCTGCTCTATGAGAGCAGAAAGAGGGGAATGTTGGAAAACTGCATTCTTCTTAGGT-3'
Protein context (NP_060311.1, residues 58-78): RTDESIETKR[Ala68Thr]RLLYESRKRG